The following is an entry in ClinVar:

ClinVar aggregate classification (germline): Uncertain significance. Review status: criteria provided, multiple submitters, no conflicts (2 of 4 stars). 4 submissions from 4 submitters: Uncertain significance (4). Last evaluated 2026-05-13.

Conditions:
SEMA3E-related disorder. Also called: SEMA3E-related condition.
CHARGE syndrome (CHARGE). Also called: Coloboma, heart anomaly, choanal atresia, retardation, genital and ear anomalies; CHARGE association; Hall-Hittner syndrome; Hittner Hirsch Kreh syndrome; CHARGE ASSOCIATION--COLOBOMA, HEART ANOMALY, CHOANAL ATRESIA, RETARDATION, GENITAL AND EAR ANOMALIES. Identifiers: Orphanet 138, MedGen C0265354, MONDO:0008965.
Hypogonadotropic hypogonadism 7 with or without anosmia (HH7). Also called: GNRHR-Related GnRH Deficiency; HYPOGONADOTROPIC HYPOGONADISM 7 WITHOUT ANOSMIA. Identifiers: Orphanet 432, MedGen C0342384, MONDO:0007794, OMIM 146110.

Allele frequency attached by ClinVar (database versions not stated): ExAC 0.00001; gnomAD exomes 0.00004; TOPMed 0.00005; gnomAD 0.00007 and 0.00008.
gnomAD v4.1: 247 of 1,613,980 alleles (0.015%); highest among the groups gnomAD compares: Non-Finnish European, 0.02%; no homozygotes.

Submissions (4):

PreventionGenetics, part of Exact Sciences
Classification: Uncertain significance for SEMA3E-related condition. Last evaluated: 2026-05-13. Review status: criteria provided, single submitter. Criteria: ACMG Guidelines, 2015. Collection method: clinical testing. Allele origin: germline.
Comment: The SEMA3E c.2133G>T variant is predicted to result in the amino acid substitution p.Lys711Asn. This variant has been reported in one child with severe obesity with in vitro functional characterization suggesting it leads to increased protein secretion (Table 1, Table S3, van der Klaauw et al. 2019. PubMed ID: 30661757). This variant is reported in 0.0093% of alleles in individuals of European (Non-Finnish) descent in gnomAD. At this time, the clinical significance of this variant is uncertain due to the absence of conclusive functional and genetic evidence.

Labcorp Genetics (formerly Invitae), Labcorp
Classification: Uncertain significance for CHARGE syndrome. Last evaluated: 2024-10-29. Review status: criteria provided, single submitter. Criteria: Invitae Variant Classification Sherloc (09022015). Collection method: clinical testing. Allele origin: germline.
Comment: This sequence change replaces lysine, which is basic and polar, with asparagine, which is neutral and polar, at codon 711 of the SEMA3E protein (p.Lys711Asn). This variant is present in population databases (rs768818178, gnomAD 0.009%). This variant has not been reported in the literature in individuals affected with SEMA3E-related conditions. ClinVar contains an entry for this variant (Variation ID: 645948). An algorithm developed to predict the effect of missense changes on protein structure and function (PolyPhen-2) suggests that this variant is likely to be disruptive. In summary, the available evidence is currently insufficient to determine the role of this variant in disease. Therefore, it has been classified as a Variant of Uncertain Significance.

GeneDx
Classification: Uncertain significance. Last evaluated: 2024-06-18. Review status: criteria provided, single submitter. Criteria: GeneDx Variant Classification Process June 2021. Collection method: clinical testing. Allele origin: germline. Affected: yes.
Comment: In silico analysis supports that this missense variant has a deleterious effect on protein structure/function; Has not been previously published as pathogenic or benign in association with a SEMA3E-associated disorder to our knowledge; Variants in candidate genes are classified as variants of uncertain significance in accordance with ACMG guidelines (PMID: 25741868); This variant is associated with the following publications: (PMID: 30661757)

Fulgent Genetics
Classification: Uncertain significance for Hypogonadotropic hypogonadism 7 with or without anosmia; CHD7-related CHARGE syndrome. Last evaluated: 2021-09-19. Review status: criteria provided, single submitter. Criteria: ACMG Guidelines, 2015. Collection method: clinical testing. Allele origin: unknown.

NM_012431.3(SEMA3E):c.2133G>T (p.Lys711Asn)

Gene: SEMA3E (semaphorin 3E; minus strand). Cytogenetic location: 7q21.11.
Variant type: single nucleotide variant.
Coding change: c.2133G>T on transcript NM_012431.3 (MANE Select); coding-DNA position 2133, G replaced by T.
Protein change: p.Lys711Asn; replaces lysine 711 with asparagine.
Molecular consequence: missense variant.
Genome position (GRCh38, 1-based): chr7:83,367,781, C>A on the plus strand (G>T on the coding strand, the complement: SEMA3E is on the minus strand). VCF-style: chr7-83367781-C-A. GRCh37 (hg19) VCF-style: chr7-82997097-C-A.
Other names: c.1953G>T, p.Lys651Asn (NM_001178129.2); short protein forms K651N, K711N.
Identifiers: ClinVar variation 645948 (VCV000645948.18), dbSNP rs768818178, ClinGen allele CA4321822.
Genomic context (GRCh38, chr7:83,367,781, plus strand): 5'-TTTCTCGCAGTATTCTTCCACTCTCTGGAAGTTGCTATAACCGATCAGCTGCAAGAATTC[C>A]TTGTACCATGGTTTTGCTCCCTGCGAGATGCTACTCTGAGCAGGACAAGGCATCCTGTGA-3'
Protein context (NP_036563.1, residues 701-721): SISQGAKPWY[Lys711Asn]EFLQLIGYSN